The following is an entry in ClinVar:

NM_001098.3(ACO2):c.173G>A (p.Arg58Gln)

Gene: ACO2 (aconitase 2; plus strand). Cytogenetic location: 22q13.2.
Variant type: single nucleotide variant.
Coding change: c.173G>A on transcript NM_001098.3 (MANE Select); coding-DNA position 173, G replaced by A.
Protein change: p.Arg58Gln; replaces arginine 58 with glutamine.
Molecular consequence: missense variant.
Genome position (GRCh38, 1-based): chr22:41,499,862, G>A. VCF-style: chr22-41499862-G-A. GRCh37 (hg19) VCF-style: chr22-41895866-G-A.
Other names: short protein forms R58Q.
Identifiers: ClinVar variation 2121820 (VCV002121820.4), dbSNP rs2066341567, ClinGen allele CA411712167.
Genomic context (GRCh38, chr22:41,499,862, plus strand): 5'-AGCCCAACGAGTACATCCATTATGACCTGCTAGAGAAGAACATTAACATTGTTCGCAAAC[G>A]GTAAGGCTGCAGATGGGAGGCTGTGACTGTCAAGGGCATTGCGTCTGCTGCCTGCCCGTC-3'
Protein context (NP_001089.1, residues 48-68): LEKNINIVRK[Arg58Gln]LNRPLTLSEK

ClinVar aggregate classification (germline): Uncertain significance (1 of 4 stars; one submission).

Submission:

Labcorp Genetics (formerly Invitae), Labcorp
Classification: Uncertain significance. Last evaluated: 2023-12-15. Review status: criteria provided, single submitter. Criteria: Invitae Variant Classification Sherloc (09022015). Collection method: clinical testing. Allele origin: germline.
Comment: This sequence change replaces arginine, which is basic and polar, with glutamine, which is neutral and polar, at codon 58 of the ACO2 protein (p.Arg58Gln). This variant also falls at the last nucleotide of exon 2, which is part of the consensus splice site for this exon. This variant is not present in population databases (gnomAD no frequency). This variant has not been reported in the literature in individuals affected with ACO2-related conditions. ClinVar contains an entry for this variant (Variation ID: 2121820). An algorithm developed to predict the effect of missense changes on protein structure and function (PolyPhen-2) suggests that this variant is likely to be tolerated. Variants that disrupt the consensus splice site are a relatively common cause of aberrant splicing (PMID: 17576681, 9536098). Algorithms developed to predict the effect of sequence changes on RNA splicing suggest that this variant may disrupt the consensus splice site. In summary, the available evidence is currently insufficient to determine the role of this variant in disease. Therefore, it has been classified as a Variant of Uncertain Significance.

Literature cited by the submitters: PubMed 17576681; PubMed 9536098.